The following is an entry in ClinVar:

NM_033380.3(COL4A5):c.3721G>T (p.Gly1241Cys)

Gene: COL4A5 (collagen type IV alpha 5 chain; plus strand). Cytogenetic location: Xq22.3.
Variant type: single nucleotide variant.
Coding change: c.3721G>T on transcript NM_033380.3 (MANE Select); coding-DNA position 3721, G replaced by T.
Protein change: p.Gly1241Cys; replaces glycine 1241 with cysteine.
Molecular consequence: missense variant.
Genome position (GRCh38, 1-based): chrX:108,668,435, G>T. VCF-style: chrX-108668435-G-T. GRCh37 (hg19) VCF-style: chrX-107911665-G-T.
Other names: c.3721G>T, p.Gly1241Cys (NM_000495.5); c.3721G>T (NM_000495.4); short protein forms G1241C.
Identifiers: ClinVar variation 24676 (VCV000024676.16), dbSNP rs104886255, ClinGen allele CA258942.

ClinVar aggregate classification (germline): Pathogenic. Review status: criteria provided, multiple submitters, no conflicts (2 of 4 stars). 5 submissions from 5 submitters: Pathogenic (5). Last evaluated 2022-12-07.

Conditions:
X-linked Alport syndrome (ATS1). Also called: COL4A5-Related Nephropathy; NEPHROPATHY AND DEAFNESS, X-LINKED. Identifiers: Orphanet 63, Orphanet 88917, MedGen C4746986, MONDO:0010520, OMIM 301050.

Submissions (5):

Revvity Omics, Revvity
Classification: Pathogenic for X-linked Alport syndrome. Last evaluated: 2022-12-07. Review status: criteria provided, single submitter. Criteria: ACMG Guidelines, 2015. Collection method: clinical testing. Allele origin: germline.

Baylor Genetics
Classification: Pathogenic for X-linked Alport syndrome. Last evaluated: 2022-06-14. Review status: criteria provided, single submitter. Criteria: ACMG Guidelines, 2015. Collection method: clinical testing. Allele origin: unknown.

Fulgent Genetics
Classification: Pathogenic for X-linked Alport syndrome. Last evaluated: 2022-01-26. Review status: criteria provided, single submitter. Criteria: ACMG Guidelines, 2015. Collection method: clinical testing. Allele origin: unknown.

Labcorp Genetics (formerly Invitae), Labcorp
Classification: Pathogenic. Last evaluated: 2021-10-05. Review status: criteria provided, single submitter. Criteria: Invitae Variant Classification Sherloc (09022015). Collection method: clinical testing. Allele origin: germline.
Comment: ClinVar contains an entry for this variant (Variation ID: 24676). This missense change has been observed in individuals with clinical features of Alport syndrome (PMID: 7599631; Invitae). This variant is not present in population databases (ExAC no frequency). This sequence change replaces glycine with cysteine at codon 1241 of the COL4A5 protein (p.Gly1241Cys). The glycine residue is highly conserved and there is a large physicochemical difference between glycine and cysteine. Advanced modeling of protein sequence and biophysical properties (such as structural, functional, and spatial information, amino acid conservation, physicochemical variation, residue mobility, and thermodynamic stability) performed at Invitae indicates that this missense variant is expected to disrupt COL4A5 protein function. This variant disrupts the p.Gly1241 amino acid residue in COL4A5. Other variant(s) that disrupt this residue have been observed in individuals with COL4A5-related conditions (PMID: 20378821; Invitae), which suggests that this may be a clinically significant amino acid residue. For these reasons, this variant has been classified as Pathogenic.

Institute of Human Genetics Munich, TUM University Hospital
Classification: Pathogenic for X-linked Alport syndrome. Last evaluated: 2018-09-25. Review status: criteria provided, single submitter. Criteria: Classification criteria August 2017. Collection method: clinical testing. Allele origin: germline. Inheritance: X-linked inheritance. Affected: yes. Observed: 1 hemizygote.

Literature cited by the submitters: PubMed 7599631 (cited by Labcorp Genetics (formerly Invitae), Labcorp); PubMed 20378821 (cited by Labcorp Genetics (formerly Invitae), Labcorp).